The following is an entry in ClinVar:

NM_000077.5(CDKN2A):c.28G>T (p.Glu10Ter)

Gene: CDKN2A (cyclin dependent kinase inhibitor 2A; minus strand). Cytogenetic location: 9p21.3.
Variant type: single nucleotide variant.
Coding change: c.28G>T on transcript NM_000077.5; coding-DNA position 28, G replaced by T.
Protein change: p.Glu10Ter; replaces glutamic acid 10 with a stop codon.
Molecular consequence: nonsense (on NM_000077.6). On other transcripts: intron variant (2).
Genome position (GRCh38, 1-based): chr9:21,974,800, C>A on the plus strand (G>T on the coding strand, the complement: CDKN2A is on the minus strand). VCF-style: chr9-21974800-C-A. GRCh37 (hg19) VCF-style: chr9-21974799-C-A.
Other names: c.28G>T, p.Glu10Ter (NM_000077.6, NM_001195132.2, NM_058197.5); c.-3-3592G>T (NM_001363763.2); c.194-3592G>T (NM_058195.4); short protein forms E10*.
Identifiers: ClinVar variation 2000887 (VCV002000887.4), dbSNP rs2131113914, ClinGen allele CA373086689.

ClinVar aggregate classification (germline): Pathogenic (1 of 4 stars; one submission).

Conditions:
Familial melanoma. Also called: Hereditary melanoma; Hereditary cutaneous melanoma. Identifiers: Orphanet 618, MedGen C1512419, MONDO:0018961.

Submission:

Labcorp Genetics (formerly Invitae), Labcorp
Classification: Pathogenic for Familial melanoma. Last evaluated: 2022-05-30. Review status: criteria provided, single submitter. Criteria: Invitae Variant Classification Sherloc (09022015). Collection method: clinical testing. Allele origin: germline.
Comment: For these reasons, this variant has been classified as Pathogenic. This variant has not been reported in the literature in individuals affected with CDKN2A (p16INK4a)-related conditions. This variant is not present in population databases (gnomAD no frequency). This sequence change creates a premature translational stop signal (p.Glu10*) in the CDKN2A (p16INK4a) gene. It is expected to result in an absent or disrupted protein product. Loss-of-function variants in CDKN2A (p16INK4a) are known to be pathogenic (PMID: 15146471, 16905682).

Literature cited by the submitters: PubMed 15146471; PubMed 16905682.